The following is an entry in ClinVar:

NM_000278.5(PAX2):c.452C>T (p.Pro151Leu)

Gene: PAX2 (paired box 2; plus strand). Cytogenetic location: 10q24.31.
Variant type: single nucleotide variant.
Coding change: c.452C>T on transcript NM_000278.5 (MANE Select); coding-DNA position 452, C replaced by T.
Protein change: p.Pro151Leu; replaces proline 151 with leucine.
Molecular consequence: missense variant.
Genome position (GRCh38, 1-based): chr10:100,779,539, C>T. VCF-style: chr10-100779539-C-T. GRCh37 (hg19) VCF-style: chr10-102539296-C-T.
Other names: c.545C>T, p.Pro182Leu (NM_001304569.2); c.452C>T, p.Pro151Leu (NM_003987.5, NM_003988.5, NM_003989.5 and 1 more transcripts); c.452C>T (NM_003987.3); short protein forms P151L, P182L.
Identifiers: ClinVar variation 1512217 (VCV001512217.10), dbSNP rs199919058, ClinGen allele CA5650728.
Genomic context (GRCh38, chr10:100,779,539, plus strand): 5'-TGTTGTGACGCTGTTGCAGAATCATCCGGACCAAAGTTCAGCAGCCTTTCCACCCAACGC[C>T]GGATGGGGCTGGGACAGGAGTGACCGCCCCTGGCCACACCATTGGTAAGAGGGCTCAGGG-3'
Protein context (NP_000269.3, residues 141-161): TKVQQPFHPT[Pro151Leu]DGAGTGVTAP

ClinVar aggregate classification (germline): Uncertain significance. Review status: criteria provided, multiple submitters, no conflicts (2 of 4 stars). 3 submissions from 3 submitters: Uncertain significance (3). Last evaluated 2025-07-09.

Conditions:
Renal coloboma syndrome (PAPRS). Also called: COLOBOMA OF OPTIC NERVE WITH RENAL DISEASE; CONGENITAL ANOMALIES OF THE KIDNEY AND URINARY TRACT WITH OR WITHOUT OCULAR ABNORMALITIES; CAKUT WITH OR WITHOUT OCULAR ABNORMALITIES; OPTIC COLOBOMA, VESICOURETERAL REFLUX, AND RENAL ANOMALIES; OPTIC NERVE COLOBOMA WITH RENAL DISEASE; RENAL-COLOBOMA SYNDROME WITH MACULAR ABNORMALITIES. Identifiers: Orphanet 1475, MedGen C1852759, MONDO:0007352, OMIM 120330.
Focal segmental glomerulosclerosis 7 (FSGS7). Identifiers: Orphanet 656, MedGen C4014925, MONDO:0014451, OMIM 616002.
Inborn genetic diseases. Identifiers: MedGen C0950123, MeSH D030342.

Allele frequency attached by ClinVar (database versions not stated): ExAC 0.00009.

Submissions (3):

Labcorp Genetics (formerly Invitae), Labcorp
Classification: Uncertain significance for Renal coloboma syndrome; Focal segmental glomerulosclerosis 7. Last evaluated: 2025-07-09. Review status: criteria provided, single submitter. Criteria: Invitae Variant Classification Sherloc (09022015). Collection method: clinical testing. Allele origin: germline.
Comment: This sequence change replaces proline, which is neutral and non-polar, with leucine, which is neutral and non-polar, at codon 151 of the PAX2 protein (p.Pro151Leu). The frequency data for this variant in the population databases is considered unreliable, as metrics indicate poor data quality at this position in the gnomAD database. This variant has not been reported in the literature in individuals affected with PAX2-related conditions. ClinVar contains an entry for this variant (Variation ID: 1512217). An algorithm developed to predict the effect of missense changes on protein structure and function (PolyPhen-2) suggests that this variant is likely to be disruptive. In summary, the available evidence is currently insufficient to determine the role of this variant in disease. Therefore, it has been classified as a Variant of Uncertain Significance.

Fulgent Genetics
Classification: Uncertain significance for Renal coloboma syndrome; Focal segmental glomerulosclerosis 7. Last evaluated: 2024-05-31. Review status: criteria provided, single submitter. Criteria: ACMG Guidelines, 2015. Collection method: clinical testing. Allele origin: germline.

Ambry Genetics
Classification: Uncertain significance for Inborn genetic diseases. Last evaluated: 2022-11-21. Review status: criteria provided, single submitter. Criteria: Ambry Variant Classification Scheme 2023. Collection method: clinical testing. Allele origin: germline.